The following is an entry in ClinVar:

NM_000027.4(AGA):c.481C>T (p.Arg161Trp)

Gene: AGA (aspartylglucosaminidase; minus strand). Cytogenetic location: 4q34.3.
Variant type: single nucleotide variant.
Coding change: c.481C>T on transcript NM_000027.4 (MANE Select); coding-DNA position 481, C replaced by T.
Protein change: p.Arg161Trp; replaces arginine 161 with tryptophan.
Molecular consequence: missense variant. On other transcripts: non-coding transcript variant (1).
Genome position (GRCh38, 1-based): chr4:177,438,771, G>A on the plus strand (C>T on the coding strand, the complement: AGA is on the minus strand). VCF-style: chr4-177438771-G-A. GRCh37 (hg19) VCF-style: chr4-178359925-G-A.
Other names: c.481C>T, p.Arg161Trp (NM_001171988.2); short protein forms R161W.
Identifiers: ClinVar variation 2059129 (VCV002059129.4), dbSNP rs777637637, ClinGen allele CA3146911.

ClinVar aggregate classification (germline): Uncertain significance. Review status: criteria provided, multiple submitters, no conflicts (2 of 4 stars). 3 submissions from 3 submitters: Uncertain significance (3). Last evaluated 2024-07-11.

Conditions:
Aspartylglucosaminuria (AGU). Also called: GLYCOASPARAGINASE; GLYCOSYLASPARAGINASE DEFICIENCY; Aspartylglucos-aminuria; Aspartylglucos-amidase (AGA) deficiency; AGA DEFICIENCY. Identifiers: Orphanet 93, MedGen C0268225, MONDO:0008830, OMIM 208400, HP:0012068.
Inborn genetic diseases. Identifiers: MedGen C0950123, MeSH D030342.

Allele frequency attached by ClinVar (database versions not stated): gnomAD exomes 0.00005; ExAC 0.00008; gnomAD 0.00013; TOPMed 0.00017.
gnomAD v4.1: 100 of 1,607,348 alleles (0.0062%); highest among the groups gnomAD compares: Admixed American, 0.047%; no homozygotes.

Submissions (3):

Blueprint Genetics
Classification: Uncertain significance. Last evaluated: 2024-07-11. Review status: criteria provided, single submitter. Criteria: ACMG Guidelines, 2015. Collection method: clinical testing. Allele origin: germline.

Ambry Genetics
Classification: Uncertain significance for Inborn genetic diseases. Last evaluated: 2024-06-26. Review status: criteria provided, single submitter. Criteria: Ambry Variant Classification Scheme 2023. Collection method: clinical testing. Allele origin: germline.
Comment: The p.R161W variant (also known as c.481C>T), located in coding exon 4 of the AGA gene, results from a C to T substitution at nucleotide position 481. The arginine at codon 161 is replaced by tryptophan, an amino acid with dissimilar properties. This amino acid position is conserved. In addition, the in silico prediction for this alteration is inconclusive. Based on the available evidence, the clinical significance of this variant remains unclear.

Labcorp Genetics (formerly Invitae), Labcorp
Classification: Uncertain significance for Aspartylglucosaminuria. Last evaluated: 2022-10-09. Review status: criteria provided, single submitter. Criteria: Invitae Variant Classification Sherloc (09022015). Collection method: clinical testing. Allele origin: germline.
Comment: This sequence change replaces arginine, which is basic and polar, with tryptophan, which is neutral and slightly polar, at codon 161 of the AGA protein (p.Arg161Trp). This variant is present in population databases (rs777637637, gnomAD 0.03%). This variant has not been reported in the literature in individuals affected with AGA-related conditions. Advanced modeling of protein sequence and biophysical properties (such as structural, functional, and spatial information, amino acid conservation, physicochemical variation, residue mobility, and thermodynamic stability) performed at Invitae indicates that this missense variant is not expected to disrupt AGA protein function. In summary, the available evidence is currently insufficient to determine the role of this variant in disease. Therefore, it has been classified as a Variant of Uncertain Significance.